The following is an entry in ClinVar:

ClinVar aggregate classification (germline): Likely benign. Review status: criteria provided, multiple submitters, no conflicts (2 of 4 stars). 3 submissions from 3 submitters: Likely benign (3). Last evaluated 2026-02-17.

Conditions:
PRPF3-related disorder. Also called: PRPF3-related condition.

Allele frequency attached by ClinVar (database versions not stated): gnomAD 0.00003; TOPMed 0.00003.
gnomAD v4.1: 51 of 1,613,990 alleles (0.0032%); highest among the groups gnomAD compares: Non-Finnish European, 0.004%; no homozygotes.

Submissions (3):

PreventionGenetics, part of Exact Sciences
Classification: Likely benign for PRPF3-related condition. Last evaluated: 2026-02-17. Review status: criteria provided, single submitter. Criteria: ACMG Guidelines, 2015. Collection method: clinical testing. Allele origin: germline.
Comment: This variant is classified as likely benign based on ACMG/AMP sequence variant interpretation guidelines (Richards et al. 2015 PMID: 25741868, with internal and published modifications).

Labcorp Genetics (formerly Invitae), Labcorp
Classification: Likely benign. Last evaluated: 2025-04-27. Review status: criteria provided, single submitter. Criteria: Invitae Variant Classification Sherloc (09022015). Collection method: clinical testing. Allele origin: germline.

Blueprint Genetics
Classification: Likely benign. Last evaluated: 2024-09-23. Review status: criteria provided, single submitter. Criteria: ACMG Guidelines, 2015. Collection method: clinical testing. Allele origin: germline.

NM_004698.4(PRPF3):c.1659C>T (p.Asn553=)

Gene: PRPF3 (pre-mRNA processing factor 3; plus strand). Cytogenetic location: 1q21.2.
Variant type: single nucleotide variant.
Coding change: c.1659C>T on transcript NM_004698.4 (MANE Select); coding-DNA position 1659, C replaced by T.
Protein change: p.Asn553=; no amino-acid change (asparagine 553 retained).
Molecular consequence: synonymous variant. On other transcripts: non-coding transcript variant (4).
Genome position (GRCh38, 1-based): chr1:150,346,036, C>T. VCF-style: chr1-150346036-C-T. GRCh37 (hg19) VCF-style: chr1-150318512-C-T.
Other names: c.1659C>T (NM_004698.2); c.1254C>T, p.Asn418= (NM_001350529.1).
Identifiers: ClinVar variation 1632618 (VCV001632618.10), dbSNP rs782053928, ClinGen allele CA1075680.